The following is an entry in ClinVar:

ClinVar aggregate classification (germline): Likely benign. Review status: criteria provided, multiple submitters, no conflicts (2 of 4 stars). 2 submissions from 2 submitters: Likely benign (2). Last evaluated 2026-01-28.

Conditions:
Mucolipidosis type IV (ML4). Also called: ML IV. Identifiers: Orphanet 578, MedGen C0238286, MONDO:0009653, OMIM 252650.

Allele frequency attached by ClinVar (database versions not stated): TOPMed below 0.00001; gnomAD exomes 0.00001; ExAC 0.00002.

Submissions (2):

Labcorp Genetics (formerly Invitae), Labcorp
Classification: Likely benign for Mucolipidosis type IV. Last evaluated: 2026-01-28. Review status: criteria provided, single submitter. Criteria: Invitae Variant Classification Sherloc (09022015). Collection method: clinical testing. Allele origin: germline.

CeGaT Center for Human Genetics Tuebingen
Classification: Likely benign. Last evaluated: 2022-09-01. Review status: criteria provided, single submitter. Criteria: CeGaT Center For Human Genetics Tuebingen Variant Classification Criteria Version 2. Collection method: clinical testing. Allele origin: germline. Affected: yes. Observed: 1 variant allele.
Comment: MCOLN1: BP4, BP7

NM_020533.3(MCOLN1):c.1545G>A (p.Ala515=)

Gene: MCOLN1 (mucolipin TRP cation channel 1; plus strand). Cytogenetic location: 19p13.2.
Variant type: single nucleotide variant.
Coding change: c.1545G>A on transcript NM_020533.3 (MANE Select); coding-DNA position 1545, G replaced by A.
Protein change: p.Ala515=; no amino-acid change (alanine 515 retained).
Molecular consequence: synonymous variant.
Genome position (GRCh38, 1-based): chr19:7,530,471, G>A. VCF-style: chr19-7530471-G-A. GRCh37 (hg19) VCF-style: chr19-7595357-G-A.
Identifiers: ClinVar variation 1104000 (VCV001104000.32), dbSNP rs756898791, ClinGen allele CA9139167.